The following is an entry in ClinVar:

NM_001211.6(BUB1B):c.2312A>G (p.Glu771Gly)

Gene: BUB1B (BUB1 mitotic checkpoint serine/threonine kinase B; plus strand). Cytogenetic location: 15q15.1.
Variant type: single nucleotide variant.
Coding change: c.2312A>G on transcript NM_001211.6 (MANE Select); coding-DNA position 2312, A replaced by G.
Protein change: p.Glu771Gly; replaces glutamic acid 771 with glycine.
Molecular consequence: missense variant.
Genome position (GRCh38, 1-based): chr15:40,210,137, A>G. VCF-style: chr15-40210137-A-G. GRCh37 (hg19) VCF-style: chr15-40502338-A-G.
Other names: short protein forms E771G.
Identifiers: ClinVar variation 4868003 (VCV004868003.1).

ClinVar aggregate classification (germline): Uncertain significance (1 of 4 stars; one submission).

Conditions:
Inborn genetic diseases. Identifiers: MedGen C0950123, MeSH D030342.

Submission:

Ambry Genetics
Classification: Uncertain significance for Inborn genetic diseases. Last evaluated: 2026-04-28. Review status: criteria provided, single submitter. Criteria: Ambry Variant Classification Scheme 2023. Collection method: clinical testing. Allele origin: germline.
Comment: The p.E771G variant (also known as c.2312A>G), located in coding exon 18 of the BUB1B gene, results from an A to G substitution at nucleotide position 2312. The glutamic acid at codon 771 is replaced by glycine, an amino acid with similar properties. This amino acid position is conserved. In addition, this alteration is predicted to be tolerated by in silico analysis. Based on the available evidence, the clinical significance of this variant remains unclear.